The following is an entry in ClinVar:

NM_173477.5(USH1G):c.16C>T (p.His6Tyr)

Gene: USH1G (USH1 protein network component sans; minus strand). Cytogenetic location: 17q25.1.
Variant type: single nucleotide variant.
Coding change: c.16C>T on transcript NM_173477.5 (MANE Select); coding-DNA position 16, C replaced by T.
Protein change: p.His6Tyr; replaces histidine 6 with tyrosine.
Molecular consequence: missense variant. On other transcripts: 5 prime UTR variant (1).
Genome position (GRCh38, 1-based): chr17:74,923,058, G>A on the plus strand (C>T on the coding strand, the complement: USH1G is on the minus strand). VCF-style: chr17-74923058-G-A. GRCh37 (hg19) VCF-style: chr17-72919153-G-A.
Other names: c.-241C>T (NM_001282489.3); short protein forms H6Y.
Identifiers: ClinVar variation 1714021 (VCV001714021.5), dbSNP rs2038965514, ClinGen allele CA400968654.

ClinVar aggregate classification (germline): Uncertain significance (1 of 4 stars; one submission).

Submission:

Labcorp Genetics (formerly Invitae), Labcorp
Classification: Uncertain significance. Last evaluated: 2022-08-12. Review status: criteria provided, single submitter. Criteria: Invitae Variant Classification Sherloc (09022015). Collection method: clinical testing. Allele origin: germline.
Comment: In summary, the available evidence is currently insufficient to determine the role of this variant in disease. Therefore, it has been classified as a Variant of Uncertain Significance. Algorithms developed to predict the effect of missense changes on protein structure and function are either unavailable or do not agree on the potential impact of this missense change (SIFT: "Not Available"; PolyPhen-2: "Probably Damaging"; Align-GVGD: "Not Available"). This variant has not been reported in the literature in individuals affected with USH1G-related conditions. This variant is not present in population databases (gnomAD no frequency). This sequence change replaces histidine, which is basic and polar, with tyrosine, which is neutral and polar, at codon 6 of the USH1G protein (p.His6Tyr).